The following is an entry in ClinVar:

ClinVar aggregate classification (germline): Pathogenic/Likely pathogenic. Review status: criteria provided, multiple submitters, no conflicts (2 of 4 stars). 4 submissions from 4 submitters: Pathogenic (1); Likely pathogenic (2). 1 of the submissions does not count toward it. Last evaluated 2023-10-06.

Conditions:
Muscular dystrophy-dystroglycanopathy (congenital with brain and eye anomalies), type A3. Also called: Muscular dystrophy-dystroglycanopathy (congenital with brain and eye anomalies), type A, 3; Congenital muscular dystrophy-dystroglycanopathy with brain and eye anomalies, type A3; WALKER-WARBURG SYNDROME OR MUSCLE-EYE-BRAIN DISEASE, POMGNT1-RELATED. Identifiers: MedGen C3151519, MONDO:0009667, OMIM 253280.
Muscular dystrophy-dystroglycanopathy. Also called: Congenital muscular dystrophy due to dystroglycanopathy. Identifiers: Orphanet 370953, MedGen C5679911, MONDO:0018276.
Autosomal recessive limb-girdle muscular dystrophy type 2O. Also called: Limb-Girdle Muscular Dystrophy Type 3C; MUSCULAR DYSTROPHY-DYSTROGLYCANOPATHY, LIMB-GIRDLE, POMGNT1-RELATED; MUSCULAR DYSTROPHY-DYSTROGLYCANOPATHY (LIMB-GIRDLE), TYPE C, 3. Identifiers: Orphanet 206564, MedGen C3150417, MONDO:0013161, OMIM 613157.
Muscular dystrophy-dystroglycanopathy (congenital with impaired intellectual development), type B, 3. Also called: Muscular dystrophy-dystroglycanopathy (congenital with intellectual disability), type B3; MUSCULAR DYSTROPHY, CONGENITAL, POMGNT1-RELATED. Identifiers: MedGen C3150412, MONDO:0013155, OMIM 613151.

Allele frequency attached by ClinVar (database versions not stated): gnomAD exomes below 0.00001; TOPMed 0.00001.

Submissions (4):

Labcorp Genetics (formerly Invitae), Labcorp
Classification: Pathogenic for Autosomal recessive limb-girdle muscular dystrophy type 2O; Muscular dystrophy-dystroglycanopathy (congenital with impaired intellectual development), type B, 3. Last evaluated: 2023-10-06. Review status: criteria provided, single submitter. Criteria: Invitae Variant Classification Sherloc (09022015). Collection method: clinical testing. Allele origin: germline.
Comment: This sequence change creates a premature translational stop signal (p.Met160Trpfs*8) in the POMGNT1 gene. It is expected to result in an absent or disrupted protein product. Loss-of-function variants in POMGNT1 are known to be pathogenic (PMID: 19299310, 20816175, 21447391, 26908613, 27391550). This variant is present in population databases (no rsID available, gnomAD 0.006%). This variant has not been reported in the literature in individuals affected with POMGNT1-related conditions. ClinVar contains an entry for this variant (Variation ID: 371543). For these reasons, this variant has been classified as Pathogenic.

Broad Center for Mendelian Genomics, Broad Institute of MIT and Harvard
Classification: Likely pathogenic for Muscular dystrophy-dystroglycanopathy. Last evaluated: 2023-01-24. Review status: criteria provided, single submitter. Criteria: ACMG Guidelines, 2015. Collection method: curation. Allele origin: germline. Inheritance: Autosomal recessive inheritance.
Comment: The p.Met160fs variant in POMGNT1 has not been previously reported in the literature in individuals with POMGNT1-associated muscular dystrophy-dystroglycanopathy, but has been identified in 0.005% (1/18354) of East Asian chromosomes by the Genome Aggregation Database (gnomAD; dbSNP ID: rs1057517355). Although this variant has been seen in the general population in a heterozygous state, its frequency is low enough to be consistent with a recessive carrier frequency. This variant has also been reported in ClinVar (Variation ID#:371543) and has been interpreted as pathogenic by Counsyl and likely pathogenic by Invitae. This variant is predicted to cause a frameshift, which alters the protein‚Äôs amino acid sequence beginning at position 160 and leads to a premature termination codon 8 amino acids downstream. This alteration is then predicted to lead to a truncated or absent protein. Loss of function of the POMGNT1 gene is an established disease mechanism in autosomal recessive POMGNT1-associated muscular dystrophy-dystroglycanopathy. In summary, although additional studies are required to fully establish its clinical significance, this variant is likely pathogenic for POMGNT1-associated muscular dystrophy-dystroglycanopathy. ACMG/AMP Criteria applied: PVS1, PM2 (Richards 2015).

Baylor Genetics
Classification: Likely pathogenic for Muscular dystrophy-dystroglycanopathy (congenital with brain and eye anomalies), type A3. Last evaluated: 2022-10-24. Review status: criteria provided, single submitter. Criteria: ACMG Guidelines, 2015. Collection method: clinical testing. Allele origin: unknown.

Counsyl
Classification: Likely pathogenic for Muscular dystrophy-dystroglycanopathy (congenital with brain and eye anomalies), type A3. Last evaluated: 2016-10-12. Review status: no assertion criteria provided. Collection method: clinical testing. Allele origin: unknown. Not counted in ClinVar's aggregate classification.

Literature cited by the submitters: PubMed 19299310 (cited by Labcorp Genetics (formerly Invitae), Labcorp); PubMed 20816175 (cited by Labcorp Genetics (formerly Invitae), Labcorp); PubMed 21447391 (cited by Labcorp Genetics (formerly Invitae), Labcorp); PubMed 26908613 (cited by Labcorp Genetics (formerly Invitae), Labcorp); PubMed 27391550 (cited by Labcorp Genetics (formerly Invitae), Labcorp).

NM_017739.4(POMGNT1):c.478del (p.Met160fs)

Genes: POMGNT1 (protein O-linked mannose N-acetylglucosaminyltransferase 1 (beta 1,2-); minus strand), TSPAN1 (tetraspanin 1; plus strand). Cytogenetic location: 1p34.1.
Variant type: Deletion.
Coding change: c.478del on transcript NM_017739.4 (MANE Select); coding-DNA position 478, one base deleted (A; older notation c.478delA).
Protein change: p.Met160fs; shifts the reading frame from methionine 160.
Molecular consequence: frameshift variant.
Genome position (GRCh38, 1-based): chr1:46,195,867, T deleted on the plus strand (A on the coding strand, the reverse complement: POMGNT1 is on the minus strand). VCF-style (leftmost placement, unchanged base first): chr1-46195866-AT-A. GRCh37 (hg19) VCF-style: chr1-46661538-AT-A.
Other names: NM_017739.4(POMGNT1):c.478del; p.Met160fs; c.478delA (NM_017739.3); c.478del, p.Met160fs (NM_001243766.2, NM_001410783.1); c.412delA, p.Met138Trpfs (NM_001290129.3); c.49del, p.Met17fs (NM_001290130.2); short protein forms M160fs, M138fs, M17fs.
Identifiers: ClinVar variation 371543 (VCV000371543.10), dbSNP rs1057517355, ClinGen allele CA16040754.